The following is an entry in ClinVar:

ClinVar aggregate classification (germline): Uncertain significance (1 of 4 stars; one submission).

Conditions:
Early-infantile DEE. Also called: Early infantile epileptic encephalopathy with suppression bursts; Early infantile epileptic encephalopathy; Ohtahara syndrome. Identifiers: Orphanet 1934, MedGen C0393706, MONDO:0800491.

gnomAD v4.1: 2 of 1,610,038 alleles (0.00012%); highest among the groups gnomAD compares: Non-Finnish European, 0.00017%; no homozygotes.

Submission:

Labcorp Genetics (formerly Invitae), Labcorp
Classification: Uncertain significance for Early-infantile DEE. Last evaluated: 2025-05-18. Review status: criteria provided, single submitter. Criteria: Invitae Variant Classification Sherloc (09022015). Collection method: clinical testing. Allele origin: germline.
Comment: This sequence change replaces aspartic acid, which is acidic and polar, with asparagine, which is neutral and polar, at codon 785 of the KCNQ2 protein (p.Asp785Asn). This variant is not present in population databases (gnomAD no frequency). This variant has not been reported in the literature in individuals affected with KCNQ2-related conditions. Invitae Evidence Modeling of protein sequence and biophysical properties (such as structural, functional, and spatial information, amino acid conservation, physicochemical variation, residue mobility, and thermodynamic stability) has been performed for this missense variant. However, the output from this modeling did not meet the statistical confidence thresholds required to predict the impact of this variant on KCNQ2 protein function. In summary, the available evidence is currently insufficient to determine the role of this variant in disease. Therefore, it has been classified as a Variant of Uncertain Significance.

NM_172107.4(KCNQ2):c.2353G>A (p.Asp785Asn)

Gene: KCNQ2 (potassium voltage-gated channel subfamily Q member 2; minus strand). Cytogenetic location: 20q13.33.
Variant type: single nucleotide variant.
Coding change: c.2353G>A on transcript NM_172107.4 (MANE Select); coding-DNA position 2353, G replaced by A.
Protein change: p.Asp785Asn; replaces aspartic acid 785 with asparagine.
Molecular consequence: missense variant.
Genome position (GRCh38, 1-based): chr20:63,406,910, C>T on the plus strand (G>A on the coding strand, the complement: KCNQ2 is on the minus strand). VCF-style: chr20-63406910-C-T. GRCh37 (hg19) VCF-style: chr20-62038263-C-T.
Other names: c.2407G>A, p.Asp803Asn (NM_001382235.1); c.2296G>A, p.Asp766Asn (NM_001439003.1); c.2266G>A, p.Asp756Asn (NM_001439004.1); c.2269G>A, p.Asp757Asn (NM_004518.6); c.2299G>A, p.Asp767Asn (NM_172106.3); c.2260G>A, p.Asp754Asn (NM_172108.5); short protein forms D754N, D756N, D757N, D766N, D767N, D785N, D803N.
Identifiers: ClinVar variation 4810793 (VCV004810793.1).
Genomic context (GRCh38, chr20:63,406,910, plus strand): 5'-AGCCGCTGAAGGAACGCTCCAGCTCCTCGTGGTCCACGGACGGGATGGAGATGGACGTGT[C>T]GCTGTCCCGCAGGTTCCCCTCGGGGGGCCTGCAGCCCGGGGTGTCCTCCTGCCGCAGGAA-3'
Protein context (NP_742105.1, residues 775-795): RPPEGNLRDS[Asp785Asn]TSISIPSVDH